The following is an entry in ClinVar:

NM_015278.5(SASH1):c.3165A>G (p.Thr1055=)

Gene: SASH1 (SAM and SH3 domain containing 1; plus strand). Cytogenetic location: 6q25.1.
Variant type: single nucleotide variant.
Coding change: c.3165A>G on transcript NM_015278.5 (MANE Select); coding-DNA position 3165, A replaced by G.
Protein change: p.Thr1055=; no amino-acid change (threonine 1055 retained).
Molecular consequence: synonymous variant.
Genome position (GRCh38, 1-based): chr6:148,544,635, A>G. VCF-style: chr6-148544635-A-G. GRCh37 (hg19) VCF-style: chr6-148865771-A-G.
Other names: c.3030A>G, p.Thr1010= (NM_001346505.2); c.2793A>G, p.Thr931= (NM_001346506.2); c.2448A>G, p.Thr816= (NM_001346507.2); c.2937A>G, p.Thr979= (NM_001346508.2); c.2814A>G, p.Thr938= (NM_001346509.2); c.3165A>G (NM_015278.4).
Identifiers: ClinVar variation 1676042 (VCV001676042.35), dbSNP rs61996300, ClinGen allele CA4040775.

ClinVar aggregate classification (germline): Likely benign. Review status: criteria provided, multiple submitters, no conflicts (2 of 4 stars). 3 submissions from 3 submitters: Likely benign (3). Last evaluated 2025-10-17.

Conditions:
SASH1-related disorder. Also called: SASH1-related condition.

Allele frequency attached by ClinVar (database versions not stated): 1000 Genomes Project 30x 0.00094; 1000 Genomes Project 0.00120; gnomAD exomes 0.00203 and 0.00269; ESP Exome Variant Server 0.00215; gnomAD 0.00220 and 0.00226; ExAC 0.00239; TOPMed 0.00240.
gnomAD v4.1: 4,269 of 1,613,438 alleles (0.26%); highest among the groups gnomAD compares: Non-Finnish European, 0.32%; 8 homozygotes.

Submissions (3):

PreventionGenetics, part of Exact Sciences
Classification: Likely benign for SASH1-related condition. Last evaluated: 2025-10-17. Review status: criteria provided, single submitter. Criteria: ACMG Guidelines, 2015. Collection method: clinical testing. Allele origin: germline.
Comment: This variant is classified as likely benign based on ACMG/AMP sequence variant interpretation guidelines (Richards et al. 2015 PMID: 25741868, with internal and published modifications).

Blueprint Genetics
Classification: Likely benign. Last evaluated: 2024-11-26. Review status: criteria provided, single submitter. Criteria: ACMG Guidelines, 2015. Collection method: clinical testing. Allele origin: germline.

CeGaT Center for Human Genetics Tuebingen
Classification: Likely benign. Last evaluated: 2022-03-01. Review status: criteria provided, single submitter. Criteria: CeGaT Center For Human Genetics Tuebingen Variant Classification Criteria Version 2. Collection method: clinical testing. Allele origin: germline. Affected: yes. Observed: 2 variant alleles.
Comment: SASH1: BP4, BP7